The following is an entry in ClinVar:

NM_001244008.2(KIF1A):c.4727G>A (p.Ser1576Asn)

Gene: KIF1A (kinesin family member 1A; minus strand). Cytogenetic location: 2q37.3.
Variant type: single nucleotide variant.
Coding change: c.4727G>A on transcript NM_001244008.2 (MANE Select); coding-DNA position 4727, G replaced by A.
Protein change: p.Ser1576Asn; replaces serine 1576 with asparagine.
Molecular consequence: missense variant.
Genome position (GRCh38, 1-based): chr2:240,721,823, C>T on the plus strand (G>A on the coding strand, the complement: KIF1A is on the minus strand). VCF-style: chr2-240721823-C-T. GRCh37 (hg19) VCF-style: chr2-241661240-C-T.
Other names: c.4451G>A, p.Ser1484Asn (NM_001320705.2, NM_001379649.1); c.4478G>A, p.Ser1493Asn (NM_001330289.2); c.4526G>A, p.Ser1509Asn (NM_001330290.2, NM_001379648.1); c.4802G>A, p.Ser1601Asn (NM_001379631.1); c.4703G>A, p.Ser1568Asn (NM_001379632.1); c.4700G>A, p.Ser1567Asn (NM_001379633.1, NM_001379645.1); c.4553G>A, p.Ser1518Asn (NM_001379634.1); c.4550G>A, p.Ser1517Asn (NM_001379635.1, NM_001379646.1); and 7 more; short protein forms S1474N, S1483N, S1484N, S1517N, S1500N, S1509N, S1567N, S1576N.
Identifiers: ClinVar variation 1486989 (VCV001486989.6), dbSNP rs754928504, ClinGen allele CA2207339.
Genomic context (GRCh38, chr2:240,721,823, plus strand): 5'-CCCGAGCCCTGCGGGGCAGCCTGGTGCAGCCCCTCTGCACCCACCTTGCTCTCGCTGGCA[C>T]TGACGCAGACGTGGCTGTGTGTGTACTCTCTGTTGAATGTGTGCGTGAGCAGGCGCAAGC-3'
Protein context (NP_001230937.1, residues 1566-1586): REYTHSHVCV[Ser1576Asn]ASESKLSEMS

ClinVar aggregate classification (germline): Uncertain significance (1 of 4 stars; one submission).

Conditions:
Hereditary spastic paraplegia 30. Identifiers: Orphanet 101010, MedGen C5235139, MONDO:0012476.
Neuropathy, hereditary sensory, type 2C. Also called: KIF1A-Related HSAN2 (HSAN2C); Hereditary sensory and autonomic neuropathy type IIC. Identifiers: Orphanet 970, MedGen C3280168, MONDO:0013634, OMIM 614213.
Intellectual disability, autosomal dominant 9 (NESCAVS). Also called: KIF1A-Related Neurodevelopmental Disorder; NESCAV SYNDROME. Identifiers: Orphanet 662367, MedGen C5393830, MONDO:0013656, OMIM 614255.

Allele frequency attached by ClinVar (database versions not stated): gnomAD exomes below 0.00001; ExAC 0.00001.
gnomAD v4.1: 1 of 1,606,126 alleles (0.000062%); no homozygotes.

Submission:

Labcorp Genetics (formerly Invitae), Labcorp
Classification: Uncertain significance for Hereditary spastic paraplegia 30; Neuropathy, hereditary sensory, type 2C; Intellectual disability, autosomal dominant 9. Last evaluated: 2022-08-22. Review status: criteria provided, single submitter. Criteria: Invitae Variant Classification Sherloc (09022015). Collection method: clinical testing. Allele origin: germline.
Comment: In summary, the available evidence is currently insufficient to determine the role of this variant in disease. Therefore, it has been classified as a Variant of Uncertain Significance. Advanced modeling of protein sequence and biophysical properties (such as structural, functional, and spatial information, amino acid conservation, physicochemical variation, residue mobility, and thermodynamic stability) performed at Invitae indicates that this missense variant is not expected to disrupt KIF1A protein function. ClinVar contains an entry for this variant (Variation ID: 1486989). This sequence change replaces serine, which is neutral and polar, with asparagine, which is neutral and polar, at codon 1475 of the KIF1A protein (p.Ser1475Asn). The frequency data for this variant in the population databases is considered unreliable, as metrics indicate poor data quality at this position in the gnomAD database. This variant has not been reported in the literature in individuals affected with KIF1A-related conditions.